The following is an entry in ClinVar:

ClinVar aggregate classification (germline): Conflicting classifications of pathogenicity. Review status: criteria provided, conflicting classifications (1 of 4 stars). 9 submissions from 9 submitters: Pathogenic (2); Likely pathogenic (3); Uncertain significance (4). Last evaluated 2025-09-10.

Conditions:
Hypertelorism. Identifiers: MedGen C0020534, OMIM 145400, HP:0000316.
Venous malformation (VM). Identifiers: MedGen C2937220, HP:0012721. Disease mechanism: gain of function.
Dural ectasia. Identifiers: MedGen C1851712, HP:0100775.
Abnormal digit morphology. Also called: Abnormality of digit. Identifiers: MedGen C3550704, HP:0011297.
Cutis laxa, autosomal dominant 1 (ADCL1). Also called: ELN-Related Cutis Laxa. Identifiers: Orphanet 90348, MedGen C3276539, MONDO:0007411, OMIM 123700. Disease mechanism: Dominant Negative.
Supravalvar aortic stenosis (SVAS). Also called: Supravalvar aortic stenosis, Eisenberg type. Identifiers: Orphanet 3193, MedGen C0003499, MONDO:0008504, OMIM 185500, HP:0004381.

Allele frequency attached by ClinVar (database versions not stated): ExAC 0.00005; gnomAD 0.00005 and 0.00006; gnomAD exomes 0.00006 and 0.00012; TOPMed 0.00006.
gnomAD v4.1: 186 of 1,613,994 alleles (0.012%); highest among the groups gnomAD compares: Non-Finnish European, 0.015%; no homozygotes.

Submissions (11):

Labcorp Genetics (formerly Invitae), Labcorp
Classification: Likely pathogenic for Supravalvar aortic stenosis. Last evaluated: 2025-09-10. Review status: criteria provided, single submitter. Criteria: Invitae Variant Classification Sherloc (09022015). Collection method: clinical testing. Allele origin: germline.
Comment: This sequence change affects a donor splice site in intron 19 of the ELN gene. It is expected to disrupt RNA splicing. Variants that disrupt the donor or acceptor splice site typically lead to a loss of protein function (PMID: 16199547), and loss-of-function variants in ELN are known to be pathogenic (PMID: 11175284). This variant is present in population databases (rs727503030, gnomAD 0.01%). Disruption of this splice site has been observed in individual(s) with clinical features of ELN-related conditions (PMID: 29555671, 29907982). ClinVar contains an entry for this variant (Variation ID: 163391). Algorithms developed to predict the effect of sequence changes on RNA splicing suggest that this variant may disrupt the consensus splice site. In summary, the currently available evidence indicates that the variant is pathogenic, but additional data are needed to prove that conclusively. Therefore, this variant has been classified as Likely Pathogenic.

GeneDx
Classification: Uncertain significance. Last evaluated: 2025-08-25. Review status: criteria provided, single submitter. Criteria: GeneDx Variant Classification Process June 2021. Collection method: clinical testing. Allele origin: germline. Affected: yes.
Comment: Canonical splice site variant with an unclear effect on protein function; Identified in one individual with TAAD in published literature (PMID: 29907982); Identified in an individual with a congenital heart defect who also harbored a variant in the TEAD2 gene, which was thought to be a plausible explanation for the phenotype, and in a patient with tetralogy of fallot in published literature (PMID: 29555671, 34328347); This variant is associated with the following publications: (PMID: 31589614, 34363016, 34328347, 29555671, 29907982)

CeGaT Center for Human Genetics Tuebingen
Classification: Uncertain significance. Last evaluated: 2024-01-01. Review status: criteria provided, single submitter. Criteria: CeGaT Center For Human Genetics Tuebingen Variant Classification Criteria Version 2. Collection method: clinical testing. Allele origin: germline. Affected: yes. Observed: 1 variant allele.
Comment: ELN: PP3

Mendelics
Classification: Uncertain significance. Last evaluated: 2022-05-04. Review status: criteria provided, single submitter. Criteria: Mendelics Assertion Criteria 2019. Collection method: clinical testing. Allele origin: germline.

AiLife Diagnostics
Classification: Uncertain significance. Last evaluated: 2021-12-10. Review status: criteria provided, single submitter. Criteria: ACMG Guidelines, 2015. Collection method: clinical testing. Allele origin: germline. Affected: yes. Observed: 1 variant allele.

Human Genome Sequencing Center Clinical Lab, Baylor College of Medicine
Classification: Likely pathogenic for Supravalvar aortic stenosis. Last evaluated: 2019-08-13. Review status: criteria provided, single submitter. Criteria: ACMG Guidelines, 2015. Collection method: clinical testing. Allele origin: germline.
Comment: The c.1150+1G>A variant in ELN occurs in the canonical splice donor site in intron 19 and is predicted to cause altered splicing and abnormal or absent protein. While this particular variant has not been reported in the literature, other loss-of-function variants in ELN are considered disease-causing for supravalvular aortic stenosis (SVAS) (PMID: 9215670, 11175284). This variant has been seen in 17/282874 alleles in the Genome Aggregation Database (gnomAD), however ELN-associated SVAS can occur as an autosomal dominant condition with reduced penetrance (PMID: 11175284). This variant is thus considered likely pathogenic.

Mayo Clinic Laboratories, Mayo Clinic
Classification: Likely pathogenic for Supravalvar aortic stenosis; Cutis laxa, autosomal dominant 1. Last evaluated: 2018-01-26. Review status: criteria provided, single submitter. Criteria: ACMG Guidelines, 2015. Collection method: clinical testing. Allele origin: paternal.

Centre for Mendelian Genomics, University Medical Centre Ljubljana
Classification: Pathogenic for Abnormal digit morphology; Dural ectasia; Hypertelorism; Venous malformation. Last evaluated: 2017-01-01. Review status: criteria provided, single submitter. Criteria: ACMG Guidelines, 2015. Collection method: clinical testing. Allele origin: unknown. Affected: yes.

Laboratory for Molecular Medicine, Mass General Brigham Personalized Medicine
Classification: Pathogenic for Supravalvular aortic stenosis. Last evaluated: 2016-09-21. Review status: criteria provided, single submitter. Criteria: LMM Criteria. Collection method: clinical testing. Allele origin: germline. Inheritance: Autosomal dominant inheritance. Observed: 3 variant alleles.
Comment: This variant has been identified in 6/66734 European chromosomes by the Exome Aggregation Consortium (ExAC). Please not e that for diseases with clinical variability, reduced penetrance, or recessive inheritance, pathogenic variants may be present at a low frequency in the genera l population. This variant occurs in the invariant region (+/- 1,2) of the splic e consensus sequence and is predicted to cause altered splicing leading to an ab normal or absent protein. Splice-site alterations and other loss-of-function var iants in the ELN gene are established as disease-causing for supravalvular aorti c stenosis (SVAS; Human Gene Mutation Database, HGMD). In summary, this variant meets our criteria to be classified as pathogenic for SVAS in an autosomal domin ant manner based on the predicted impact of the variant.

Dr. Peter K. Rogan Lab, Western University
No classification provided (evidence only). Condition: Cervical cancer. Review status: no classification provided. Collection method: in vitro. Allele origin: not applicable. Functional consequence: skipped exon, retained intron. Not counted in ClinVar's aggregate classification.

Dr. Peter K. Rogan Lab, Western University
No classification provided (evidence only). Condition: Hepatocellular carcinoma. Review status: no classification provided. Collection method: in vitro. Allele origin: not applicable. Functional consequence: retained intron. Not counted in ClinVar's aggregate classification.

Literature cited by the submitters: PubMed 16199547 (cited by Labcorp Genetics (formerly Invitae), Labcorp); PubMed 11175284 (cited by Labcorp Genetics (formerly Invitae), Labcorp); PubMed 29555671 (cited by Labcorp Genetics (formerly Invitae), Labcorp and AiLife Diagnostics); PubMed 29907982 (cited by Labcorp Genetics (formerly Invitae), Labcorp and AiLife Diagnostics); PubMed 31589614 (cited by AiLife Diagnostics).

NM_000501.4(ELN):c.1150+1G>A

Gene: ELN (elastin; plus strand). Cytogenetic location: 7q11.23.
Variant type: single nucleotide variant.
Coding change: c.1150+1G>A on transcript NM_000501.4 (MANE Select); the canonical splice donor site of the intron after coding-DNA position 1150, G replaced by A.
Molecular consequence: splice donor variant.
Genome position (GRCh38, 1-based): chr7:74,054,770, G>A. VCF-style: chr7-74054770-G-A. GRCh37 (hg19) VCF-style: chr7-73469100-G-A.
Other names: c.1165+1G>A (NM_001081754.3, NM_001081753.3); c.1150+1G>A (NM_001278939.2, NM_001278915.2, NM_001278912.2 and 1 more transcripts); c.1108+1G>A (NM_001278916.2); c.1042+1G>A (NM_001278913.2); c.1135+1G>A (NM_001278914.2); c.1120+1G>A (NM_001278917.2, NM_001081752.3); c.1018+1G>A (NM_001278918.2).
Identifiers: ClinVar variation 163391 (VCV000163391.43), dbSNP rs727503030, ClinGen allele CA281474.